The following is an entry in ClinVar:

ClinVar aggregate classification (germline): Uncertain significance. Review status: criteria provided, multiple submitters, no conflicts (2 of 4 stars). 2 submissions from 2 submitters: Uncertain significance (2). Last evaluated 2025-03-26.

Conditions:
Alstrom syndrome (ALMS). Identifiers: Orphanet 64, MedGen C0268425, MONDO:0008763, OMIM 203800.
Cardiovascular phenotype. Identifiers: MedGen CN230736.

Allele frequency attached by ClinVar (database versions not stated): gnomAD exomes below 0.00001; TOPMed below 0.00001; ExAC 0.00001; gnomAD 0.00001.
gnomAD v4.1: 2 of 1,613,718 alleles (0.00012%); highest among the groups gnomAD compares: Admixed American, 0.0033%; no homozygotes.

Submissions (2):

Ambry Genetics
Classification: Uncertain significance for Cardiovascular phenotype. Last evaluated: 2025-03-26. Review status: criteria provided, single submitter. Criteria: Ambry Variant Classification Scheme 2023. Collection method: clinical testing. Allele origin: germline.
Comment: The p.R2099G variant (also known as c.6295A>G), located in coding exon 8 of the ALMS1 gene, results from an A to G substitution at nucleotide position 6295. The arginine at codon 2099 is replaced by glycine, an amino acid with dissimilar properties. This amino acid position is not well conserved in available vertebrate species. In addition, this alteration is predicted to be tolerated by in silico analysis. Based on the available evidence, the clinical significance of this variant remains unclear.

Labcorp Genetics (formerly Invitae), Labcorp
Classification: Uncertain significance for Alstrom syndrome. Last evaluated: 2021-01-03. Review status: criteria provided, single submitter. Criteria: Invitae Variant Classification Sherloc (09022015). Collection method: clinical testing. Allele origin: germline.
Comment: This sequence change replaces arginine with glycine at codon 2099 of the ALMS1 protein (p.Arg2099Gly). The arginine residue is moderately conserved and there is a moderate physicochemical difference between arginine and glycine. This variant is present in population databases (rs774256170, ExAC 0.009%). This variant has not been reported in the literature in individuals with ALMS1-related conditions. Experimental studies and prediction algorithms are not available or were not evaluated, and the functional significance of this variant is currently unknown. In summary, the available evidence is currently insufficient to determine the role of this variant in disease. Therefore, it has been classified as a Variant of Uncertain Significance.

NM_001378454.1(ALMS1):c.6292A>G (p.Arg2098Gly)

Gene: ALMS1 (ALMS1 centrosome and basal body associated protein; plus strand). Cytogenetic location: 2p13.1.
Variant type: single nucleotide variant.
Coding change: c.6292A>G on transcript NM_001378454.1 (MANE Select); coding-DNA position 6292, A replaced by G.
Protein change: p.Arg2098Gly; replaces arginine 2098 with glycine.
Molecular consequence: missense variant.
Genome position (GRCh38, 1-based): chr2:73,452,819, A>G. VCF-style: chr2-73452819-A-G. GRCh37 (hg19) VCF-style: chr2-73679946-A-G.
Other names: c.6295A>G, p.Arg2099Gly (NM_015120.4); short protein forms R2098G, R2099G.
Identifiers: ClinVar variation 2061015 (VCV002061015.2), dbSNP rs774256170, ClinGen allele CA1714040.
Genomic context (GRCh38, chr2:73,452,819, plus strand): 5'-CCTGAACTAACTGATGTGAATACTGGAAAACCAGTATCTCTCTCTAGTTCTTATTTTCAC[A>G]GAGAGAAATCGAATATTTTCAGTCCACAGGAATTGCCAGGTAGTCATGTAACTGAAGATG-3'
Protein context (NP_001365383.1, residues 2088-2108): PVSLSSSYFH[Arg2098Gly]EKSNIFSPQE